The following is an entry in ClinVar:

NM_005120.3(MED12):c.13G>A (p.Gly5Arg)

Gene: MED12 (mediator complex subunit 12; plus strand). Cytogenetic location: Xq13.1.
Variant type: single nucleotide variant.
Coding change: c.13G>A on transcript NM_005120.3 (MANE Select); coding-DNA position 13, G replaced by A.
Protein change: p.Gly5Arg; replaces glycine 5 with arginine.
Molecular consequence: missense variant.
Genome position (GRCh38, 1-based): chrX:71,118,767, G>A. VCF-style: chrX-71118767-G-A. GRCh37 (hg19) VCF-style: chrX-70338617-G-A.
Other names: short protein forms G5R.
Identifiers: ClinVar variation 3293965 (VCV003293965.1).

ClinVar aggregate classification (germline): Uncertain significance (1 of 4 stars; one submission).

Conditions:
Familial thoracic aortic aneurysm and aortic dissection (TAAD). Also called: Thoracic aortic aneurysms and dissections. Identifiers: Orphanet 91387, MedGen C4707243, MONDO:0019625.

Submission:

Ambry Genetics
Classification: Uncertain significance for Familial thoracic aortic aneurysm and aortic dissection. Last evaluated: 2024-03-19. Review status: criteria provided, single submitter. Criteria: Ambry Variant Classification Scheme 2023. Collection method: clinical testing. Allele origin: germline.
Comment: The p.G5R variant (also known as c.13G>A), located in coding exon 1 of the MED12 gene, results from a G to A substitution at nucleotide position 13. The glycine at codon 5 is replaced by arginine, an amino acid with dissimilar properties. This amino acid position is conserved. In addition, this alteration is predicted to be tolerated by in silico analysis. Based on the available evidence, the clinical significance of this alteration remains unclear.